The following is an entry in ClinVar:

ClinVar aggregate classification (germline): Uncertain significance. Review status: criteria provided, multiple submitters, no conflicts (2 of 4 stars). 2 submissions from 2 submitters: Uncertain significance (2). Last evaluated 2026-03-30.

Conditions:
CEP164-related disorder. Also called: CEP164-related condition.
Nephronophthisis 15 (NPHP15). Identifiers: Orphanet 3156, MedGen C3541853, MONDO:0013917, OMIM 614845.

Allele frequency attached by ClinVar (database versions not stated): gnomAD exomes below 0.00001; TOPMed 0.00002.
gnomAD v4.1: 4 of 1,613,760 alleles (0.00025%); highest among the groups gnomAD compares: Non-Finnish European, 0.000085%; no homozygotes.

Submissions (2):

PreventionGenetics, part of Exact Sciences
Classification: Uncertain significance for CEP164-related condition. Last evaluated: 2026-03-30. Review status: criteria provided, single submitter. Criteria: ACMG Guidelines, 2015. Collection method: clinical testing. Allele origin: germline.
Comment: The CEP164 c.2530G>A variant is predicted to result in the amino acid substitution p.Glu844Lys. To our knowledge, this variant has not been reported in the literature or in a large population database (gnomAD), indicating this variant is rare. At this time, the clinical significance of this variant is uncertain due to the absence of conclusive functional and genetic evidence.

Labcorp Genetics (formerly Invitae), Labcorp
Classification: Uncertain significance for Nephronophthisis 15. Last evaluated: 2024-01-15. Review status: criteria provided, single submitter. Criteria: Invitae Variant Classification Sherloc (09022015). Collection method: clinical testing. Allele origin: germline.
Comment: This sequence change replaces glutamic acid, which is acidic and polar, with lysine, which is basic and polar, at codon 844 of the CEP164 protein (p.Glu844Lys). This variant is not present in population databases (gnomAD no frequency). This variant has not been reported in the literature in individuals affected with CEP164-related conditions. ClinVar contains an entry for this variant (Variation ID: 1914598). Advanced modeling of protein sequence and biophysical properties (such as structural, functional, and spatial information, amino acid conservation, physicochemical variation, residue mobility, and thermodynamic stability) has been performed at Invitae for this missense variant, however the output from this modeling did not meet the statistical confidence thresholds required to predict the impact of this variant on CEP164 protein function. In summary, the available evidence is currently insufficient to determine the role of this variant in disease. Therefore, it has been classified as a Variant of Uncertain Significance.

NM_014956.5(CEP164):c.2530G>A (p.Glu844Lys)

Gene: CEP164 (centrosomal protein 164; plus strand). Cytogenetic location: 11q23.3.
Variant type: single nucleotide variant.
Coding change: c.2530G>A on transcript NM_014956.5 (MANE Select); coding-DNA position 2530, G replaced by A.
Protein change: p.Glu844Lys; replaces glutamic acid 844 with lysine.
Molecular consequence: missense variant.
Genome position (GRCh38, 1-based): chr11:117,393,040, G>A. VCF-style: chr11-117393040-G-A. GRCh37 (hg19) VCF-style: chr11-117263756-G-A.
Other names: c.2530G>A (NM_014956.4); c.2539G>A, p.Glu847Lys (NM_001271933.2); short protein forms E847K, E844K.
Identifiers: ClinVar variation 1914598 (VCV001914598.5), dbSNP rs2044892129, ClinGen allele CA382726376.